The following is an entry in ClinVar:

NM_006514.4(SCN10A):c.899A>G (p.Asn300Ser)

Gene: SCN10A (sodium voltage-gated channel alpha subunit 10; minus strand). Cytogenetic location: 3p22.2.
Variant type: single nucleotide variant.
Coding change: c.899A>G on transcript NM_006514.4 (MANE Select); coding-DNA position 899, A replaced by G.
Protein change: p.Asn300Ser; replaces asparagine 300 with serine.
Molecular consequence: missense variant.
Genome position (GRCh38, 1-based): chr3:38,760,732, T>C on the plus strand (A>G on the coding strand, the complement: SCN10A is on the minus strand). VCF-style: chr3-38760732-T-C. GRCh37 (hg19) VCF-style: chr3-38802223-T-C.
Other names: c.899A>G, p.Asn300Ser (NM_001293306.2, NM_001293307.2); short protein forms N300S.
Identifiers: ClinVar variation 2503270 (VCV002503270.1), dbSNP rs2470805647, ClinGen allele CA352170965.

ClinVar aggregate classification (germline): Uncertain significance (1 of 4 stars; one submission).

Submission:

GeneDx
Classification: Uncertain significance. Last evaluated: 2023-05-25. Review status: criteria provided, single submitter. Criteria: GeneDx Variant Classification Process June 2021. Collection method: clinical testing. Allele origin: germline. Affected: yes.
Comment: Not observed in large population cohorts (gnomAD); In silico analysis supports that this missense variant does not alter protein structure/function; Has not been previously published as pathogenic or benign to our knowledge